The following is an entry in ClinVar:

ClinVar aggregate classification (germline): Pathogenic (1 of 4 stars; one submission).

Conditions:
Citrin deficiency. Identifiers: Orphanet 247582, MedGen C1997910, MONDO:0016602.

Submission:

Labcorp Genetics (formerly Invitae), Labcorp
Classification: Pathogenic for Citrin deficiency. Last evaluated: 2022-09-03. Review status: criteria provided, single submitter. Criteria: Invitae Variant Classification Sherloc (09022015). Collection method: clinical testing. Allele origin: germline.
Comment: This variant has not been reported in the literature in individuals affected with SLC25A13-related conditions. This sequence change creates a premature translational stop signal (p.Asn229Lysfs*21) in the SLC25A13 gene. It is expected to result in an absent or disrupted protein product. Loss-of-function variants in SLC25A13 are known to be pathogenic (PMID: 10369257, 14680984, 27405544). This variant is not present in population databases (gnomAD no frequency). For these reasons, this variant has been classified as Pathogenic.

Literature cited by the submitters: PubMed 10369257; PubMed 14680984; PubMed 27405544.

NM_014251.3(SLC25A13):c.687del (p.Asn229fs)

Gene: SLC25A13 (solute carrier family 25 member 13; minus strand). Cytogenetic location: 7q21.3.
Variant type: Deletion.
Coding change: c.687del on transcript NM_014251.3 (MANE Select); coding-DNA position 687, one base deleted (C; older notation c.687delC).
Protein change: p.Asn229fs; shifts the reading frame from asparagine 229.
Molecular consequence: frameshift variant. On other transcripts: non-coding transcript variant (1).
Genome position (GRCh38, 1-based): chr7:96,191,176, G deleted on the plus strand (C on the coding strand, the reverse complement: SLC25A13 is on the minus strand). VCF-style (leftmost placement, unchanged base first): chr7-96191175-TG-T. GRCh37 (hg19) VCF-style: chr7-95820487-TG-T.
Other names: c.687del, p.Asn229fs (NM_001160210.2); short protein forms N229fs.
Identifiers: ClinVar variation 2028936 (VCV002028936.4), dbSNP rs2485829669, ClinGen allele CA2580077922.
Genomic context (GRCh38, chr7:96,191,175, plus strand): 5'-TCACTTCAACATCTTTCCTGGTGCCAGCCAGAGTGCTATAGATCTTTCTAATGAGTTCCA[TG>T]TTGTTAAGGAGCGAATTAAATCCATTAAAATAGGAGAAACTAACTTGATGGGATGTGGTA-3'